The following is an entry in ClinVar:

ClinVar aggregate classification (germline): Uncertain significance (1 of 4 stars; one submission).

Submission:

GeneDx
Classification: Uncertain significance. Last evaluated: 2026-01-26. Review status: criteria provided, single submitter. Criteria: GeneDx Variant Classification Process June 2021. Collection method: clinical testing. Allele origin: germline.
Comment: Not observed at significant frequency in large population cohorts (gnomAD); In-frame deletion of one amino acid in a non-repeat region; In silico analysis supports a deleterious effect on protein structure/function; Has not been previously published as pathogenic or benign to our knowledge

NM_020922.5(WNK3):c.805CCT[1] (p.Pro270del)

Gene: WNK3 (WNK lysine deficient protein kinase 3; minus strand). Cytogenetic location: Xp11.22.
Variant type: Microsatellite.
Coding change: c.805CCT[1] on transcript NM_020922.5 (MANE Select); one copy of the 3-base unit CCT starting at c.805; the reference has two copies in a row; one copy, 3 bases deleted; also written c.808_810del.
Protein change: p.Pro270del; deletes proline 270.
Molecular consequence: inframe deletion. On other transcripts: inframe indel (2).
Genome position (GRCh38, 1-based): chrX:54,309,216-54,309,218, AGG deleted on the plus strand (CCT on the coding strand, the reverse complement: WNK3 is on the minus strand); deleting any 3 consecutive bases within chrX:54,309,216-54,309,223 gives the same sequence; the position shown is the placement nearest the transcript's 3' end. VCF-style (leftmost placement, unchanged base first): chrX-54309215-TAGG-T. GRCh37 (hg19) VCF-style: chrX-54335648-TAGG-T.
Other names: c.805CCT[1], p.Pro270del (NM_001002838.4, NM_001395166.1); c.803_805CTC[1], p.Pro270del (NM_020922.4); c.808_810del (NM_020922.4); short protein forms P270del.
Identifiers: ClinVar variation 4975740 (VCV004975740.1).